The following is an entry in ClinVar:

NM_004817.4(TJP2):c.2880+95A>G

Gene: TJP2 (tight junction protein 2; plus strand). Cytogenetic location: 9q21.11.
Variant type: single nucleotide variant.
Coding change: c.2880+95A>G on transcript NM_004817.4 (MANE Select); 95 bases into the intron after coding-DNA position 2880, A replaced by G.
Molecular consequence: intron variant.
Genome position (GRCh38, 1-based): chr9:69,248,319, A>G. VCF-style: chr9-69248319-A-G. GRCh37 (hg19) VCF-style: chr9-71863235-A-G.
Other names: c.2811+95A>G (NM_001170414.2, NM_001369871.1); c.2805+95A>G (NM_001369870.1); c.2880+95A>G (NM_201629.3, NM_001369872.1); c.2667+1529A>G (NM_001369873.1); c.2892+95A>G (NM_001170415.1, NM_001369875.1, NM_001369874.1); c.2973+95A>G (NM_001170416.2).
Identifiers: ClinVar variation 44109 (VCV000044109.7), dbSNP rs77236826, ClinGen allele CA133593.

ClinVar aggregate classification (germline): Benign. Review status: criteria provided, multiple submitters, no conflicts (2 of 4 stars). 3 submissions from 3 submitters: Benign (3). Last evaluated 2018-06-21.

Allele frequency attached by ClinVar (database versions not stated): 1000 Genomes Project 30x 0.05153; 1000 Genomes Project 0.05312; gnomAD exomes 0.06613 and 0.07876; TOPMed 0.06654; ESP Exome Variant Server 0.06921; gnomAD 0.07117 and 0.07154; ExAC 0.07788.
gnomAD v4.1: 115,527 of 1,484,356 alleles (7.8%); highest among the groups gnomAD compares: South Asian, 8.8%; 4,799 homozygotes.

Submissions (3):

GeneDx
Classification: Benign. Last evaluated: 2018-06-21. Review status: criteria provided, single submitter. Criteria: GeneDx Variant Classification Process June 2021. Collection method: clinical testing. Allele origin: germline. Affected: yes.

Laboratory for Molecular Medicine, Mass General Brigham Personalized Medicine
Classification: Benign. Last evaluated: 2012-05-07. Review status: criteria provided, single submitter. Criteria: LMM Criteria. Collection method: clinical testing. Allele origin: germline. Observed: 83 variant alleles.
Comment: His992Arg in Exon 19 of TJP2: This variant is not expected to have clinical sign ificance because it has been identified in 6.9% (174/2532) of European American chromosomes from a broad population by the NHLBI Exome Sequencing Project (dbSNP rs77236826).

Breakthrough Genomics
Classification: Benign. Review status: criteria provided, single submitter. Criteria: ACMG Guidelines, 2015. Collection method: not provided. Allele origin: germline. Inheritance: Autosomal recessive inheritance. Affected: yes.